The following is an entry in ClinVar:

NM_001005498.4(RHBDF2):c.865C>T (p.Arg289Ter)

Gene: RHBDF2 (rhomboid 5 homolog 2; minus strand). Cytogenetic location: 17q25.1.
Variant type: single nucleotide variant.
Coding change: c.865C>T on transcript NM_001005498.4 (MANE Select); coding-DNA position 865, C replaced by T.
Protein change: p.Arg289Ter; replaces arginine 289 with a stop codon.
Molecular consequence: nonsense. On other transcripts: non-coding transcript variant (3).
Genome position (GRCh38, 1-based): chr17:76,477,235, G>A on the plus strand (C>T on the coding strand, the complement: RHBDF2 is on the minus strand). VCF-style: chr17-76477235-G-A. GRCh37 (hg19) VCF-style: chr17-74473317-G-A.
Other names: c.865C>T, p.Arg289Ter (NM_001376228.1, NM_001376229.1, NM_001376230.1); c.952C>T, p.Arg318Ter (NM_024599.5); short protein forms R289*, R318*.
Identifiers: ClinVar variation 4771034 (VCV004771034.1).

ClinVar aggregate classification (germline): Uncertain significance (1 of 4 stars; one submission).

gnomAD v4.1: 7 of 1,608,538 alleles (0.00044%); highest among the groups gnomAD compares: South Asian, 0.0022%; no homozygotes.

Submission:

Labcorp Genetics (formerly Invitae), Labcorp
Classification: Uncertain significance. Last evaluated: 2025-04-22. Review status: criteria provided, single submitter. Criteria: Invitae Variant Classification Sherloc (09022015). Collection method: clinical testing. Allele origin: germline.
Comment: This sequence change creates a premature translational stop signal (p.Arg318*) in the RHBDF2 gene. It is expected to result in an absent or disrupted protein product. However, the current clinical and genetic evidence is not sufficient to establish whether loss-of-function variants in RHBDF2 cause disease. This variant is present in population databases (rs574746281, gnomAD 0.003%). This variant has not been reported in the literature in individuals affected with RHBDF2-related conditions. Algorithms developed to predict the effect of sequence changes on RNA splicing suggest that this variant may disrupt the consensus splice site. In summary, the available evidence is currently insufficient to determine the role of this variant in disease. Therefore, it has been classified as a Variant of Uncertain Significance.